The following is an entry in ClinVar:

NM_177972.3(TUB):c.102G>A (p.Leu34=)

Gene: TUB (TUB bipartite transcription factor; plus strand). Cytogenetic location: 11p15.4.
Variant type: single nucleotide variant.
Coding change: c.102G>A on transcript NM_177972.3 (MANE Select); coding-DNA position 102, G replaced by A.
Protein change: p.Leu34=; no amino-acid change (leucine 34 retained).
Molecular consequence: synonymous variant.
Genome position (GRCh38, 1-based): chr11:8,090,080, G>A. VCF-style: chr11-8090080-G-A. GRCh37 (hg19) VCF-style: chr11-8111627-G-A.
Other names: c.120G>A, p.Leu40= (NM_001440538.1, NM_001440539.1, NM_001440540.1 and 1 more transcripts); c.102G>A, p.Leu34= (NM_001440541.1); c.267G>A, p.Leu89= (NM_003320.5).
Identifiers: ClinVar variation 4999799 (VCV004999799.1).

ClinVar aggregate classification (germline): Likely benign (1 of 4 stars; one submission).

Conditions:
TUB-related disorder. Also called: TUB-related condition.

gnomAD v4.1: 1 of 1,607,974 alleles (0.000062%); highest among the groups gnomAD compares: African/African-American, 0.0013%; no homozygotes.

Submission:

PreventionGenetics, part of Exact Sciences
Classification: Likely benign for TUB-related condition. Last evaluated: 2026-04-12. Review status: criteria provided, single submitter. Criteria: ACMG Guidelines, 2015. Collection method: clinical testing. Allele origin: germline.
Comment: This variant is classified as likely benign based on ACMG/AMP sequence variant interpretation guidelines (Richards et al. 2015 PMID: 25741868, with internal and published modifications).